The following is an entry in ClinVar:

NM_001199267.2(DGKZ):c.162-587C>G

Gene: DGKZ (diacylglycerol kinase zeta; plus strand). Cytogenetic location: 11p11.2.
Variant type: single nucleotide variant.
Coding change: c.162-587C>G on transcript NM_001199267.2 (MANE Select); 587 bases into the intron before coding-DNA position 162, C replaced by G.
Molecular consequence: intron variant. On other transcripts: missense variant (1).
Genome position (GRCh38, 1-based): chr11:46,366,704, C>G. VCF-style: chr11-46366704-C-G. GRCh37 (hg19) VCF-style: chr11-46388254-C-G.
Other names: c.448C>G, p.Gln150Glu (NM_001105540.2); c.213-587C>G (NM_201532.3); c.177-587C>G (NM_201533.3); c.162-587C>G (NM_001199266.2, NM_003646.4, NM_001199268.2); c.448C>G (NM_001105540.1); short protein forms Q150E.
Identifiers: ClinVar variation 1477428 (VCV001477428.9), dbSNP rs746642514, ClinGen allele CA221603843.

ClinVar aggregate classification (germline): Uncertain significance. Review status: criteria provided, multiple submitters, no conflicts (2 of 4 stars). 2 submissions from 2 submitters: Uncertain significance (2). Last evaluated 2025-10-14.

Allele frequency attached by ClinVar (database versions not stated): TOPMed 0.00003; gnomAD 0.00005.
gnomAD v4.1: 9 of 1,562,240 alleles (0.00058%); highest among the groups gnomAD compares: African/African-American, 0.012%; no homozygotes.

Submissions (2):

Ambry Genetics
Classification: Uncertain significance. Last evaluated: 2025-10-14. Review status: criteria provided, single submitter. Criteria: Ambry Variant Classification Scheme 2023. Collection method: clinical testing. Allele origin: germline.

Labcorp Genetics (formerly Invitae), Labcorp
Classification: Uncertain significance. Last evaluated: 2021-05-01. Review status: criteria provided, single submitter. Criteria: Invitae Variant Classification Sherloc (09022015). Collection method: clinical testing. Allele origin: germline.
Comment: In summary, the available evidence is currently insufficient to determine the role of this variant in disease. Therefore, it has been classified as a Variant of Uncertain Significance. Algorithms developed to predict the effect of missense changes on protein structure and function (SIFT, PolyPhen-2, Align-GVGD) all suggest that this variant is likely to be tolerated, but these predictions have not been confirmed by published functional studies and their clinical significance is uncertain. This variant has not been reported in the literature in individuals with DGKZ-related conditions. This variant is not present in population databases (ExAC no frequency). This sequence change replaces glutamine with glutamic acid at codon 150 of the DGKZ protein (p.Gln150Glu). The glutamine residue is weakly conserved and there is a small physicochemical difference between glutamine and glutamic acid.